The following is an entry in ClinVar:

NM_014141.6(CNTNAP2):c.3345_3381+346del

Gene: CNTNAP2 (contactin associated protein 2; plus strand). Cytogenetic location: 7q36.1.
Variant type: Deletion.
Coding change: c.3345_3381+346del on transcript NM_014141.6 (MANE Select); coding-DNA position 3345 through 346 bases into the intron after coding-DNA position 3381, 383 bases deleted.
Molecular consequence: splice donor variant.
Genome position (GRCh38, 1-based): chr7:148,229,743-148,230,125, 383 bases deleted. GRCh37 (hg19): chr7:147,926,835-147,927,217.
Identifiers: ClinVar variation 2006464 (VCV002006464.4), dbSNP rs2536656862, ClinGen allele CA2580077659.

ClinVar aggregate classification (germline): Likely pathogenic (1 of 4 stars; one submission).

Conditions:
Cortical dysplasia-focal epilepsy syndrome (PTHSL1). Also called: Pitt-Hopkins-like syndrome 1. Identifiers: Orphanet 163681, Orphanet 221150, MedGen C2750246, MONDO:0012400, OMIM 610042.

Submission:

Labcorp Genetics (formerly Invitae), Labcorp
Classification: Likely pathogenic for Cortical dysplasia-focal epilepsy syndrome. Last evaluated: 2022-06-14. Review status: criteria provided, single submitter. Criteria: Invitae Variant Classification Sherloc (09022015). Collection method: clinical testing. Allele origin: germline.
Comment: This variant results in the deletion of part of exon 20 (c.3341_3381+342del) of the CNTNAP2 gene. It is expected to disrupt RNA splicing. Variants that disrupt the donor or acceptor splice site typically lead to a loss of protein function (PMID: 16199547), and loss-of-function variants in CNTNAP2 are known to be pathogenic (PMID: 19896112, 21827697, 25045150, 26843181, 27439707). This variant is not present in population databases (gnomAD no frequency). This variant has not been reported in the literature in individuals affected with CNTNAP2-related conditions. Algorithms developed to predict the effect of sequence changes on RNA splicing suggest that this variant may disrupt the consensus splice site. In summary, the currently available evidence indicates that the variant is pathogenic, but additional data are needed to prove that conclusively. Therefore, this variant has been classified as Likely Pathogenic.

Literature cited by the submitters: PubMed 16199547; PubMed 19896112; PubMed 21827697; PubMed 25045150; PubMed 26843181; PubMed 27439707.